The following is an entry in ClinVar:

ClinVar aggregate classification (germline): Benign/Likely benign. Review status: criteria provided, multiple submitters, no conflicts (2 of 4 stars). 6 submissions from 6 submitters: Benign (1); Likely benign (3). 2 of the submissions do not count toward it. Last evaluated 2026-01-09.

Conditions:
VPS45-related disorder. Also called: VPS45-related condition.
Congenital neutropenia-myelofibrosis-nephromegaly syndrome. Also called: Severe congenital neutropenia 5, autosomal recessive. Identifiers: Orphanet 369852, MedGen C3809031, MONDO:0014118, OMIM 615285.

Allele frequency attached by ClinVar (database versions not stated): TOPMed 0.00088; gnomAD 0.00091; ESP Exome Variant Server 0.00115; 1000 Genomes Project 0.00140; 1000 Genomes Project 30x 0.00187.
gnomAD v4.1: 281 of 1,607,808 alleles (0.017%); highest among the groups gnomAD compares: African/African-American, 0.31%; no homozygotes.

Submissions (6):

Labcorp Genetics (formerly Invitae), Labcorp
Classification: Benign for Congenital neutropenia-myelofibrosis-nephromegaly syndrome. Last evaluated: 2026-01-09. Review status: criteria provided, single submitter. Criteria: Invitae Variant Classification Sherloc (09022015). Collection method: clinical testing. Allele origin: germline.

Blueprint Genetics
Classification: Likely benign. Last evaluated: 2024-11-15. Review status: criteria provided, single submitter. Criteria: ACMG Guidelines, 2015. Collection method: clinical testing. Allele origin: germline.

CeGaT Center for Human Genetics Tuebingen
Classification: Likely benign. Last evaluated: 2022-08-01. Review status: criteria provided, single submitter. Criteria: CeGaT Center For Human Genetics Tuebingen Variant Classification Criteria Version 2. Collection method: clinical testing. Allele origin: germline. Affected: yes. Observed: 1 variant allele.
Comment: VPS45: BP4, BP7

Genetic Services Laboratory, University of Chicago
Classification: Likely benign. Last evaluated: 2016-12-19. Review status: criteria provided, single submitter. Criteria: ACMG Guidelines, 2015. Collection method: clinical testing. Allele origin: germline. Affected: no.

Natera, Inc.
Classification: Likely benign for Autosomal recessive severe congenital neutropenia 5. Last evaluated: 2019-12-18. Review status: no assertion criteria provided. Collection method: clinical testing. Allele origin: germline. Not counted in ClinVar's aggregate classification.

PreventionGenetics, part of Exact Sciences
Classification: Likely benign for VPS45-related condition. Last evaluated: 2019-11-26. Review status: no assertion criteria provided. Collection method: clinical testing. Allele origin: germline. Not counted in ClinVar's aggregate classification.
Comment: This variant is classified as likely benign based on ACMG/AMP sequence variant interpretation guidelines (Richards et al. 2015 PMID: 25741868, with internal and published modifications).

NM_007259.5(VPS45):c.318C>T (p.Asp106=)

Gene: VPS45 (vacuolar protein sorting 45 homolog; plus strand). Cytogenetic location: 1q21.2.
Variant type: single nucleotide variant.
Coding change: c.318C>T on transcript NM_007259.5 (MANE Select); coding-DNA position 318, C replaced by T.
Protein change: p.Asp106=; no amino-acid change (aspartic acid 106 retained).
Molecular consequence: synonymous variant. On other transcripts: non-coding transcript variant (1).
Genome position (GRCh38, 1-based): chr1:150,076,261, C>T. VCF-style: chr1-150076261-C-T. GRCh37 (hg19) VCF-style: chr1-150048339-C-T.
Other names: c.210C>T, p.Asp70= (NM_001279353.2, NM_001279354.2).
Identifiers: ClinVar variation 437261 (VCV000437261.46), dbSNP rs150076399, ClinGen allele CA1073107.